The following is an entry in ClinVar:

NM_004260.4(RECQL4):c.648A>C (p.Glu216Asp)

Gene: RECQL4 (RecQ like helicase 4; minus strand). Cytogenetic location: 8q24.3.
Variant type: single nucleotide variant.
Coding change: c.648A>C on transcript NM_004260.4 (MANE Select); coding-DNA position 648, A replaced by C.
Protein change: p.Glu216Asp; replaces glutamic acid 216 with aspartic acid.
Molecular consequence: missense variant.
Genome position (GRCh38, 1-based): chr8:144,516,471, T>G on the plus strand (A>C on the coding strand, the complement: RECQL4 is on the minus strand). VCF-style: chr8-144516471-T-G. GRCh37 (hg19) VCF-style: chr8-145741855-T-G.
Other names: c.648A>C (NM_004260.3); short protein forms E216D.
Identifiers: ClinVar variation 1008224 (VCV001008224.6), dbSNP rs780500628, ClinGen allele CA187689140.

ClinVar aggregate classification (germline): Uncertain significance. Review status: criteria provided, multiple submitters, no conflicts (2 of 4 stars). 2 submissions from 2 submitters: Uncertain significance (2). Last evaluated 2025-12-07.

Conditions:
Inborn genetic diseases. Identifiers: MedGen C0950123, MeSH D030342.
Baller-Gerold syndrome (BGS). Also called: CRANIOSYNOSTOSIS WITH RADIAL DEFECTS. Identifiers: Orphanet 1225, MedGen C0265308, MONDO:0009039, OMIM 218600.

Allele frequency attached by ClinVar (database versions not stated): gnomAD 0.00001; TOPMed 0.00001.
gnomAD v4.1: 1 of 1,608,516 alleles (0.000062%); highest among the groups gnomAD compares: African/African-American, 0.0013%; no homozygotes.

Submissions (2):

Ambry Genetics
Classification: Uncertain significance for Inborn genetic diseases. Last evaluated: 2025-12-07. Review status: criteria provided, single submitter. Criteria: Ambry Variant Classification Scheme 2023. Collection method: clinical testing. Allele origin: germline.
Comment: The p.E216D variant (also known as c.648A>C), located in coding exon 5 of the RECQL4 gene, results from an A to C substitution at nucleotide position 648. The glutamic acid at codon 216 is replaced by aspartic acid, an amino acid with highly similar properties. This amino acid position is conserved. In addition, this alteration is predicted to be tolerated by in silico analysis. Based on the available evidence, the clinical significance of this variant remains unclear.

Labcorp Genetics (formerly Invitae), Labcorp
Classification: Uncertain significance for Baller-Gerold syndrome. Last evaluated: 2023-08-17. Review status: criteria provided, single submitter. Criteria: Invitae Variant Classification Sherloc (09022015). Collection method: clinical testing. Allele origin: germline.
Comment: This sequence change replaces glutamic acid, which is acidic and polar, with aspartic acid, which is acidic and polar, at codon 216 of the RECQL4 protein (p.Glu216Asp). This variant is not present in population databases (gnomAD no frequency). This variant has not been reported in the literature in individuals affected with RECQL4-related conditions. ClinVar contains an entry for this variant (Variation ID: 1008224). Advanced modeling of protein sequence and biophysical properties (such as structural, functional, and spatial information, amino acid conservation, physicochemical variation, residue mobility, and thermodynamic stability) performed at Invitae indicates that this missense variant is not expected to disrupt RECQL4 protein function. In summary, the available evidence is currently insufficient to determine the role of this variant in disease. Therefore, it has been classified as a Variant of Uncertain Significance.